The following is an entry in ClinVar:

ClinVar aggregate classification (germline): Likely benign. Review status: criteria provided, multiple submitters, no conflicts (2 of 4 stars). 4 submissions from 4 submitters: Likely benign (4). Last evaluated 2025-11-21.

Conditions:
RYR1-related disorder. Also called: RYR1-related disorders; RYR1-related condition. Identifiers: MedGen CN239331.
Malignant hyperthermia, susceptibility to, 1 (MHS1). Also called: Anesthesia related hyperthermia; Malignant hyperpyrexia; Fulminating hyperpyrexia; Pharmacogenic myopathy; RYR1-Related Malignant Hyperthermia Susceptibility; Malignant hyperthermia suceptibility 1. Identifiers: Orphanet 423, MedGen C2930980, MONDO:0007783, OMIM 145600.

Allele frequency attached by ClinVar (database versions not stated): ExAC 0.00001; gnomAD 0.00001; 1000 Genomes Project 30x 0.00016; 1000 Genomes Project 0.00020.
gnomAD v4.1: 9 of 1,613,176 alleles (0.00056%); highest among the groups gnomAD compares: East Asian, 0.016%; no homozygotes.

Submissions (4):

Labcorp Genetics (formerly Invitae), Labcorp
Classification: Likely benign for RYR1-related disorder. Last evaluated: 2025-11-21. Review status: criteria provided, single submitter. Criteria: Invitae Variant Classification Sherloc (09022015). Collection method: clinical testing. Allele origin: germline.

All of Us Research Program, National Institutes of Health
Classification: Likely benign for Malignant hyperthermia, susceptibility to, 1. Last evaluated: 2023-12-18. Review status: criteria provided, single submitter. Criteria: ACMG Guidelines, 2015. Collection method: clinical testing. Allele origin: germline. Inheritance: Autosomal dominant inheritance. Observed: 1 variant allele, 1 heterozygote.
Comment: This study involves interpretation of variants in research participants for the purpose of population health screening. Participant phenotype was not available at the time of variant classification. Additional details can be found in publication PMID: 35346344, PMCID: PMC8962531

Color Diagnostics, LLC DBA Color Health
Classification: Likely benign for Malignant hyperthermia, susceptibility to, 1. Last evaluated: 2023-12-06. Review status: criteria provided, single submitter. Criteria: ACMG Guidelines, 2015. Collection method: clinical testing. Allele origin: germline.

PreventionGenetics, part of Exact Sciences
Classification: Likely benign. Last evaluated: 2018-03-29. Review status: criteria provided, single submitter. Criteria: ACMG Guidelines, 2015. Collection method: clinical testing. Allele origin: germline.

NM_000540.3(RYR1):c.5109A>C (p.Pro1703=)

Gene: RYR1 (ryanodine receptor 1; plus strand). Cytogenetic location: 19q13.2.
Variant type: single nucleotide variant.
Coding change: c.5109A>C on transcript NM_000540.3 (MANE Select); coding-DNA position 5109, A replaced by C.
Protein change: p.Pro1703=; no amino-acid change (proline 1703 retained).
Molecular consequence: synonymous variant.
Genome position (GRCh38, 1-based): chr19:38,485,764, A>C. VCF-style: chr19-38485764-A-C. GRCh37 (hg19) VCF-style: chr19-38976404-A-C.
Other names: c.5109A>C, p.Pro1703= (NM_001042723.2).
Identifiers: ClinVar variation 590552 (VCV000590552.7), dbSNP rs200556164, ClinGen allele CA066681.